The following is an entry in ClinVar:

ClinVar aggregate classification (germline): Uncertain significance. Review status: criteria provided, multiple submitters, no conflicts (2 of 4 stars). 2 submissions from 2 submitters: Uncertain significance (2). Last evaluated 2025-01-28.

Allele frequency attached by ClinVar (database versions not stated): gnomAD exomes below 0.00001.
gnomAD v4.1: 1 of 1,614,018 alleles (0.000062%); highest among the groups gnomAD compares: Non-Finnish European, 0.000085%; no homozygotes.

Submissions (2):

Women's Health and Genetics/Laboratory Corporation of America, LabCorp
Classification: Uncertain significance. Last evaluated: 2025-01-28. Review status: criteria provided, single submitter. Criteria: LabCorp Variant Classification Summary - May 2015. Collection method: clinical testing. Allele origin: germline.
Comment: Variant summary: CNGB1 c.1907A>G (p.His636Arg) results in a non-conservative amino acid change in the encoded protein sequence. Four of five in-silico tools predict a benign effect of the variant on protein function. The variant was absent in 249562 control chromosomes. The available data on variant occurrences in the general population are insufficient to allow any conclusion about variant significance. c.1907A>G has been reported in the literature in an individual affected with retinal degeneration (Zampaglione_2020). This report does not provide unequivocal conclusions about association of the variant with Retinitis Pigmentosa. To our knowledge, no experimental evidence demonstrating an impact on protein function has been reported. The following publication has been ascertained in the context of this evaluation (PMID: 32037395). ClinVar contains an entry for this variant (Variation ID: 957668). Based on the evidence outlined above, the variant was classified as uncertain significance.

Labcorp Genetics (formerly Invitae), Labcorp
Classification: Uncertain significance. Last evaluated: 2019-08-05. Review status: criteria provided, single submitter. Criteria: Invitae Variant Classification Sherloc (09022015). Collection method: clinical testing. Allele origin: germline.
Comment: This variant is not present in population databases (ExAC no frequency). This sequence change replaces histidine with arginine at codon 636 of the CNGB1 protein (p.His636Arg). The histidine residue is weakly conserved and there is a small physicochemical difference between histidine and arginine. This variant has not been reported in the literature in individuals with CNGB1-related conditions. In summary, the available evidence is currently insufficient to determine the role of this variant in disease. Therefore, it has been classified as a Variant of Uncertain Significance. Algorithms developed to predict the effect of missense changes on protein structure and function output the following: SIFT: "Tolerated"; PolyPhen-2: "Benign"; Align-GVGD: "Class C0". The arginine amino acid residue is found in multiple mammalian species, suggesting that this missense change does not adversely affect protein function. These predictions have not been confirmed by published functional studies and their clinical significance is uncertain.

Literature cited by the submitters: PubMed 32037395 (cited by Women's Health and Genetics/Laboratory Corporation of America, LabCorp).

NM_001297.5(CNGB1):c.1907A>G (p.His636Arg)

Gene: CNGB1 (cyclic nucleotide gated channel subunit beta 1; minus strand). Cytogenetic location: 16q21.
Variant type: single nucleotide variant.
Coding change: c.1907A>G on transcript NM_001297.5 (MANE Select); coding-DNA position 1907, A replaced by G.
Protein change: p.His636Arg; replaces histidine 636 with arginine.
Molecular consequence: missense variant.
Genome position (GRCh38, 1-based): chr16:57,919,149, T>C on the plus strand (A>G on the coding strand, the complement: CNGB1 is on the minus strand). VCF-style: chr16-57919149-T-C. GRCh37 (hg19) VCF-style: chr16-57953053-T-C.
Other names: c.1889A>G, p.His630Arg (NM_001286130.2); short protein forms H630R, H636R.
Identifiers: ClinVar variation 957668 (VCV000957668.11), dbSNP rs1960958935, ClinGen allele CA396065547.